The following is an entry in ClinVar:

ClinVar aggregate classification (germline): Pathogenic (1 of 4 stars; one submission).

Conditions:
Leri-Weill dyschondrosteosis (LWD). Also called: DYSCHONDROSTEOSIS; Léri-Weill dyschondrosteosis; Leri-Weill Dyschondrosteosis (LWD). Identifiers: Orphanet 240, MedGen C0265309, MONDO:0007481, OMIM 127300.

Submission:

Laboratório de Alta Complexidade, Instituto Fernandes Figueira - FIOCRUZ
Classification: Pathogenic for Leri-Weill dyschondrosteosis. Last evaluated: 2026-09-01. Review status: criteria provided, single submitter. Criteria: ACMG Guidelines, 2015. Collection method: clinical testing. Allele origin: germline. Inheritance: Semidominant inheritance. Affected: yes. Observed: 1 variant allele, 1 heterozygote.
Comment: The SHOX variant NM_000451.4:c.523delC (p.Gln175fs) was evaluated and classified as pathogenic based on the following ACMG/AMP criteria: PVS1 (frameshift variant in a gene for which loss of function is a well-established disease mechanism, located in a region predicted to undergo nonsense-mediated mRNA decay and affecting a biologically relevant transcript), PM2_sup (variant absent from gnomAD and ABraOM), PP1 (the variant cosegregates with the disease, with at least three informative meioses observed among affected family members - internal data), and PP4 (highly specific phenotype characterized by disproportionate short stature associated with mesomelic limb shortening and Madelung deformity).

NM_000451.4(SHOX):c.523del (p.Gln175fs)

Gene: SHOX (SHOX homeobox; plus strand). Cytogenetic location: Xp22.33.
Variant type: Deletion.
Coding change: c.523del on transcript NM_000451.4 (MANE Select); coding-DNA position 523, one base deleted (C; older notation c.523delC).
Protein change: p.Gln175fs; shifts the reading frame from glutamine 175.
Molecular consequence: frameshift variant.
Genome position (GRCh38, 1-based): chrX:640,857, C deleted. VCF-style (leftmost placement, unchanged base first): chrX-640856-AC-A. GRCh37 (hg19) VCF-style: chrX-601591-AC-A.
Other names: c.523del, p.Gln175fs (NM_006883.2); c.523delC (NM_000451.4); short protein forms Q175fs.
Identifiers: ClinVar variation 5016460 (VCV005016460.1).